The following is an entry in ClinVar:

NM_000090.4(COL3A1):c.3373G>A (p.Gly1125Ser)

Gene: COL3A1 (collagen type III alpha 1 chain; plus strand). Cytogenetic location: 2q32.2.
Variant type: single nucleotide variant.
Coding change: c.3373G>A on transcript NM_000090.4 (MANE Select); coding-DNA position 3373, G replaced by A.
Protein change: p.Gly1125Ser; replaces glycine 1125 with serine.
Molecular consequence: missense variant.
Genome position (GRCh38, 1-based): chr2:189,007,894, G>A. VCF-style: chr2-189007894-G-A. GRCh37 (hg19) VCF-style: chr2-189872620-G-A.
Other names: short protein forms G1125S.
Identifiers: ClinVar variation 4758654 (VCV004758654.1).
Genomic context (GRCh38, chr2:189,007,894, plus strand): 5'-CCCAGTGCTTTTTAAGGCCTTCACTCCTATGTACACTTCCTTTCTTTCCAGGGCCCTGCT[G>A]GTCAGCAGGGTGCAATCGGCAGTCCAGGACCTGCAGGCCCCAGAGTAAGTAGCACAGAAA-3'
Protein context (NP_000081.2, residues 1115-1135): PGAPGSPGPA[Gly1125Ser]QQGAIGSPGP

ClinVar aggregate classification (germline): Likely pathogenic (1 of 4 stars; one submission).

Conditions:
Familial thoracic aortic aneurysm and aortic dissection (TAAD). Also called: Thoracic aortic aneurysms and dissections. Identifiers: Orphanet 91387, MedGen C4707243, MONDO:0019625.

Submission:

Color Diagnostics, LLC DBA Color Health
Classification: Likely pathogenic for Familial thoracic aortic aneurysm and aortic dissection. Last evaluated: 2025-05-12. Review status: criteria provided, single submitter. Criteria: ACMG Guidelines, 2015. Collection method: clinical testing. Allele origin: germline.
Comment: This variant changes one of the conserved glycine residues within the Gly-Xaa-Yaa repeat motifs of the triple helical domain of the COL3A1 protein. Although functional studies have not been reported for this variant, conserved glycine residues within the Gly-Xaa-Yaa repeats are required for the structural stability of fibrillar collagens (PMID: 7695699, 8218237, 19344236) and missense variants occurring at these glycine residues have been associated with disease (PMID: 24922459, 25758994). This variant has not been reported in individuals affected with COL3A1-related disorders in the literature. This variant has not been identified in the general population by the Genome Aggregation Database (gnomAD). A different variant affecting the same codon, p.Gly1125Asp, is considered to be disease-causing (ClinVar variation ID: 1730760), suggesting that glycine at this position is important for COL3A1 protein function. Based on the available evidence, this variant is classified as Likely Pathogenic.

Literature cited by the submitters: PubMed 7695699; PubMed 8218237; PubMed 19344236; PubMed 24922459; PubMed 25758994.